The following is an entry in ClinVar:

ClinVar aggregate classification (germline): Likely benign. Review status: criteria provided, multiple submitters, no conflicts (2 of 4 stars). 2 submissions from 2 submitters: Likely benign (2). Last evaluated 2024-08-25.

Conditions:
Cardiovascular phenotype. Identifiers: MedGen CN230736.

Allele frequency attached by ClinVar (database versions not stated): gnomAD 0.00001; gnomAD exomes 0.00001; TOPMed 0.00002.
gnomAD v4.1: 11 of 1,613,976 alleles (0.00068%); highest among the groups gnomAD compares: African/African-American, 0.0027%; no homozygotes.

Submissions (2):

Ambry Genetics
Classification: Likely benign for Cardiovascular phenotype. Last evaluated: 2024-08-25. Review status: criteria provided, single submitter. Criteria: Ambry Variant Classification Scheme 2023. Collection method: clinical testing. Allele origin: germline.

Laboratory for Molecular Medicine, Mass General Brigham Personalized Medicine
Classification: Likely benign. Last evaluated: 2017-02-22. Review status: criteria provided, single submitter. Criteria: LMM Criteria. Collection method: clinical testing. Allele origin: germline. Observed: 1 variant allele.
Comment: p.Arg822Arg in exon 12 of MYPN: This variant is not expected to have clinical si gnificance because it does not alter an amino acid residue and is not located wi thin the splice consensus sequence.

NM_032578.4(MYPN):c.2466G>A (p.Arg822=)

Gene: MYPN (myopalladin; plus strand). Cytogenetic location: 10q21.3.
Variant type: single nucleotide variant.
Coding change: c.2466G>A on transcript NM_032578.4 (MANE Select); coding-DNA position 2466, G replaced by A.
Protein change: p.Arg822=; no amino-acid change (arginine 822 retained).
Molecular consequence: synonymous variant. On other transcripts: non-coding transcript variant (2).
Genome position (GRCh38, 1-based): chr10:68,174,558, G>A. VCF-style: chr10-68174558-G-A. GRCh37 (hg19) VCF-style: chr10-69934315-G-A.
Other names: c.2466G>A, p.Arg822= (NM_001256267.2); c.1584G>A, p.Arg528= (NM_001256268.2); c.2466G>A (NM_032578.2).
Identifiers: ClinVar variation 517286 (VCV000517286.6), dbSNP rs1298116965, ClinGen allele CA469826574.